The following is an entry in ClinVar:

NM_000038.6(APC):c.*1203A>C

Gene: APC (APC regulator of Wnt signaling pathway; plus strand). Cytogenetic location: 5q22.2.
Variant type: single nucleotide variant.
Coding change: c.*1203A>C on transcript NM_000038.6 (MANE Select); 1203 bases downstream of the stop codon, A replaced by C.
Molecular consequence: 3 prime UTR variant.
Genome position (GRCh38, 1-based): chr5:112,845,329, A>C. VCF-style: chr5-112845329-A-C. GRCh37 (hg19) VCF-style: chr5-112181026-A-C.
Other names: c.*1203A>C (NM_001127510.3, NM_001127511.3, NM_001354895.2 and 11 more transcripts).
Identifiers: ClinVar variation 350442 (VCV000350442.5), dbSNP rs6594650, ClinGen allele CA10622286.

ClinVar aggregate classification (germline): Benign (1 of 4 stars; one submission).

Conditions:
APC-Associated Polyposis Disorders.

Allele frequency attached by ClinVar (database versions not stated): gnomAD exomes 0.00165; gnomAD 0.00833 and 0.00878; TOPMed 0.00907; 1000 Genomes Project 0.00978; 1000 Genomes Project 30x 0.01093.

Submission:

Illumina Laboratory Services, Illumina
Classification: Benign for APC-Associated Polyposis Disorders. Last evaluated: 2018-01-12. Review status: criteria provided, single submitter. Criteria: ICSL Variant Classification Criteria 13 December 2019. Collection method: clinical testing. Allele origin: germline.
Comment: This variant was observed in the ICSL laboratory as part of a predisposition screen in an ostensibly healthy population. It had not been previously curated by ICSL or reported in the Human Gene Mutation Database (HGMD: prior to June 1st, 2018), and was therefore a candidate for classification through an automated scoring system. Utilizing variant allele frequency, disease prevalence and penetrance estimates, and inheritance mode, an automated score was calculated to assess if this variant is too frequent to cause the disease. Based on the score and internal cut-off values, a variant classified as benign is not then subjected to further curation. The score for this variant resulted in a classification of benign for this disease.